The following is an entry in ClinVar:

NM_004329.3(BMPR1A):c.497_498del (p.Ala166fs)

Gene: BMPR1A (bone morphogenetic protein receptor type 1A; plus strand). Cytogenetic location: 10q23.2.
Variant type: Deletion.
Coding change: c.497_498del on transcript NM_004329.3 (MANE Select); coding-DNA positions 497 to 498, 2 bases deleted (CT; older notation c.497_498delCT).
Protein change: p.Ala166fs; shifts the reading frame from alanine 166.
Molecular consequence: frameshift variant. On other transcripts: non-coding transcript variant (3), intron variant (1).
Genome position (GRCh38, 1-based): chr10:86,900,093-86,900,094, CT deleted. VCF-style (leftmost placement, unchanged base first): chr10-86900092-GCT-G. GRCh37 (hg19) VCF-style: chr10-88659849-GCT-G.
Other names: c.497_498del, p.Ala166fs (NM_001406559.1, NM_001406560.1, NM_001406561.1 and 22 more transcripts); c.413_414del, p.Ala138fs (NM_001406584.1, NM_001406585.1, NM_001406586.1 and 2 more transcripts); c.333+7864_333+7865del (NM_001406589.1); short protein forms A138fs, A166fs.
Identifiers: ClinVar variation 3725173 (VCV003725173.2).

ClinVar aggregate classification (germline): Pathogenic (1 of 4 stars; one submission).

Conditions:
Juvenile polyposis syndrome (JPS). Identifiers: Orphanet 2929, MedGen C0345893, MONDO:0017380, OMIM 174900.

Submission:

Labcorp Genetics (formerly Invitae), Labcorp
Classification: Pathogenic for Juvenile polyposis syndrome. Last evaluated: 2024-11-13. Review status: criteria provided, single submitter. Criteria: Invitae Variant Classification Sherloc (09022015). Collection method: clinical testing. Allele origin: germline.
Comment: This sequence change creates a premature translational stop signal (p.Ala166Aspfs*26) in the BMPR1A gene. It is expected to result in an absent or disrupted protein product. Loss-of-function variants in BMPR1A are known to be pathogenic (PMID: 11536076, 12417513). This variant is not present in population databases (gnomAD no frequency). This variant has not been reported in the literature in individuals affected with BMPR1A-related conditions. For these reasons, this variant has been classified as Pathogenic.

Literature cited by the submitters: PubMed 11536076; PubMed 12417513.